The following is an entry in ClinVar:

NM_014254.3(RXYLT1):c.699del (p.Pro232_Trp233insTer)

Gene: RXYLT1 (ribitol xylosyltransferase 1; plus strand). Cytogenetic location: 12q14.2.
Variant type: Deletion.
Coding change: c.699del on transcript NM_014254.3 (MANE Select); coding-DNA position 699, one base deleted (G; older notation c.699delG).
Protein change: p.Pro232_Trp233insTer.
Molecular consequence: nonsense. On other transcripts: 5 prime UTR variant (1).
Genome position (GRCh38, 1-based): chr12:63,802,361, G deleted; the last of 2 consecutive G bases (chr12:63,802,360-63,802,361); deleting either gives the same sequence. VCF-style (leftmost placement, unchanged base first): chr12-63802359-TG-T. GRCh37 (hg19) VCF-style: chr12-64196139-TG-T.
Other names: c.-82del (NM_001278237.2).
Identifiers: ClinVar variation 2885748 (VCV002885748.3), dbSNP rs2500520221, ClinGen allele CA2739272128.
Genomic context (GRCh38, chr12:63,802,359, plus strand): 5'-CCATTCCTCAAAAGAAATGGAGGCTTCGTGGAGCTGCTTTTCATAATATATGACAGCCCC[TG>T]GATTAATGACGTGGATGTTTTTCAGTGGCCTTTAGGAGTAGCAACGTAAGTACAAAATAT-3'

ClinVar aggregate classification (germline): Pathogenic (1 of 4 stars; one submission).

Submission:

Labcorp Genetics (formerly Invitae), Labcorp
Classification: Pathogenic. Last evaluated: 2023-10-22. Review status: criteria provided, single submitter. Criteria: Invitae Variant Classification Sherloc (09022015). Collection method: clinical testing. Allele origin: germline.
Comment: This sequence change creates a premature translational stop signal (p.Trp233*) in the RXYLT1 gene. It is expected to result in an absent or disrupted protein product. Loss-of-function variants in RXYLT1 are known to be pathogenic (PMID: 23217329, 23519211, 31742715). This variant is not present in population databases (gnomAD no frequency). This variant has not been reported in the literature in individuals affected with RXYLT1-related conditions. Algorithms developed to predict the effect of sequence changes on RNA splicing suggest that this variant may disrupt the consensus splice site. For these reasons, this variant has been classified as Pathogenic.

Literature cited by the submitters: PubMed 23217329; PubMed 23519211; PubMed 31742715.